The following is an entry in ClinVar:

ClinVar aggregate classification (germline): Uncertain significance (1 of 4 stars; one submission).

Conditions:
Ehlers-Danlos syndrome, kyphoscoliotic type 1 (EDSKSCL1). Also called: EHLERS-DANLOS SYNDROME, OCULAR-SCOLIOTIC TYPE; Ehlers-Danlos syndrome, hydroxylysine-deficient; EHLERS-DANLOS SYNDROME, TYPE VIA; PLOD1-Related Kyphoscoliotic Ehlers-Danlos Syndrome. Identifiers: Orphanet 1900, MedGen C0268342, MONDO:0016002, OMIM 225400. Disease mechanism: loss of function.

Submission:

Labcorp Genetics (formerly Invitae), Labcorp
Classification: Uncertain significance for Ehlers-Danlos syndrome, kyphoscoliotic type 1. Last evaluated: 2021-05-25. Review status: criteria provided, single submitter. Criteria: Invitae Variant Classification Sherloc (09022015). Collection method: clinical testing. Allele origin: germline.
Comment: Algorithms developed to predict the effect of missense changes on protein structure and function (SIFT, PolyPhen-2, Align-GVGD) all suggest that this variant is likely to be tolerated, but these predictions have not been confirmed by published functional studies and their clinical significance is uncertain. This variant has not been reported in the literature in individuals with PLOD1-related conditions. This variant is not present in population databases (ExAC no frequency). This sequence change replaces glycine with glutamic acid at codon 412 of the PLOD1 protein (p.Gly412Glu). The glycine residue is moderately conserved and there is a moderate physicochemical difference between glycine and glutamic acid. In summary, the available evidence is currently insufficient to determine the role of this variant in disease. Therefore, it has been classified as a Variant of Uncertain Significance.

NM_000302.4(PLOD1):c.1235G>A (p.Gly412Glu)

Gene: PLOD1 (procollagen-lysine,2-oxoglutarate 5-dioxygenase 1; plus strand). Cytogenetic location: 1p36.22.
Variant type: single nucleotide variant.
Coding change: c.1235G>A on transcript NM_000302.4 (MANE Select); coding-DNA position 1235, G replaced by A.
Protein change: p.Gly412Glu; replaces glycine 412 with glutamic acid.
Molecular consequence: missense variant.
Genome position (GRCh38, 1-based): chr1:11,964,207, G>A. VCF-style: chr1-11964207-G-A. GRCh37 (hg19) VCF-style: chr1-12024264-G-A.
Other names: c.1376G>A, p.Gly459Glu (NM_001316320.2); short protein forms G412E, G459E.
Identifiers: ClinVar variation 1493555 (VCV001493555.8), dbSNP rs2100757756, ClinGen allele CA338441152.